The following is an entry in ClinVar:

ClinVar aggregate classification (germline): Benign. Review status: criteria provided, multiple submitters, no conflicts (2 of 4 stars). 2 submissions from 2 submitters: Benign (2). Last evaluated 2018-01-13.

Conditions:
Autosomal dominant cerebellar ataxia. Also called: Spinocerebellar Ataxia, Dominant. Identifiers: Orphanet 99, MedGen C4087347, MONDO:0020380.

Allele frequency attached by ClinVar (database versions not stated): gnomAD 0.00055 and 0.00084; TOPMed 0.00115; 1000 Genomes Project 0.00359; 1000 Genomes Project 30x 0.00406.
gnomAD v4.1: 521 of 608,326 alleles (0.086%); highest among the groups gnomAD compares: East Asian, 1.3%; 3 homozygotes.

Submissions (2):

Illumina Laboratory Services, Illumina
Classification: Benign for Spinocerebellar Ataxia, Dominant. Last evaluated: 2018-01-13. Review status: criteria provided, single submitter. Criteria: ICSL Variant Classification Criteria 13 December 2019. Collection method: clinical testing. Allele origin: germline.
Comment: This variant was observed in the ICSL laboratory as part of a predisposition screen in an ostensibly healthy population. It had not been previously curated by ICSL or reported in the Human Gene Mutation Database (HGMD: prior to June 1st, 2018), and was therefore a candidate for classification through an automated scoring system. Utilizing variant allele frequency, disease prevalence and penetrance estimates, and inheritance mode, an automated score was calculated to assess if this variant is too frequent to cause the disease. Based on the score and internal cut-off values, a variant classified as benign is not then subjected to further curation. The score for this variant resulted in a classification of benign for this disease.

Breakthrough Genomics
Classification: Benign. Review status: criteria provided, single submitter. Criteria: ACMG Guidelines, 2015. Collection method: not provided. Allele origin: germline. Inheritance: Autosomal dominant inheritance. Affected: yes.

NM_001378452.1(ITPR1):c.*121G>C

Gene: ITPR1 (inositol 1,4,5-trisphosphate receptor type 1; plus strand). Cytogenetic location: 3p26.1.
Variant type: single nucleotide variant.
Coding change: c.*121G>C on transcript NM_001378452.1 (MANE Select); 121 bases downstream of the stop codon, G replaced by C.
Molecular consequence: 3 prime UTR variant.
Genome position (GRCh38, 1-based): chr3:4,846,346, G>C. VCF-style: chr3-4846346-G-C. GRCh37 (hg19) VCF-style: chr3-4888030-G-C.
Other names: c.*121G>C (NM_001099952.4, NM_001168272.2, NM_002222.7).
Identifiers: ClinVar variation 345899 (VCV000345899.6), dbSNP rs146903558, ClinGen allele CA10618842.